The following is an entry in ClinVar:

ClinVar aggregate classification (germline): Uncertain significance (1 of 4 stars; one submission).

Conditions:
Mucopolysaccharidosis, MPS-III-D (MPS3D). Also called: Mucopoly-saccharidosis type 3D; N-acetylglucosamine-6-sulfate sulfatase deficiency; MPS 3D; MPS IIID (Sanfilippo Syndrome Type D); MUCOPOLYSACCHARIDOSIS, TYPE IIID; N-ACETYLGLUCOSAMINE-6-SULFATASE DEFICIENCY. Identifiers: Orphanet 581, Orphanet 79272, MedGen C0086650, MONDO:0009658, OMIM 252940.

Allele frequency attached by ClinVar (database versions not stated): gnomAD exomes below 0.00001; TOPMed below 0.00001; gnomAD 0.00001.
gnomAD v4.1: 3 of 1,514,476 alleles (0.0002%); highest among the groups gnomAD compares: Non-Finnish European, 0.00028%; no homozygotes.

Submission:

Labcorp Genetics (formerly Invitae), Labcorp
Classification: Uncertain significance for Mucopolysaccharidosis, MPS-III-D. Last evaluated: 2022-08-16. Review status: criteria provided, single submitter. Criteria: Invitae Variant Classification Sherloc (09022015). Collection method: clinical testing. Allele origin: germline.
Comment: This sequence change replaces aspartic acid, which is acidic and polar, with asparagine, which is neutral and polar, at codon 441 of the GNS protein (p.Asp441Asn). This variant is not present in population databases (gnomAD no frequency). This variant has not been reported in the literature in individuals affected with GNS-related conditions. ClinVar contains an entry for this variant (Variation ID: 1380941). Algorithms developed to predict the effect of missense changes on protein structure and function are either unavailable or do not agree on the potential impact of this missense change (SIFT: "Deleterious"; PolyPhen-2: "Possibly Damaging"; Align-GVGD: "Class C15"). In summary, the available evidence is currently insufficient to determine the role of this variant in disease. Therefore, it has been classified as a Variant of Uncertain Significance.

NM_002076.4(GNS):c.1321G>A (p.Asp441Asn)

Gene: GNS (glucosamine (N-acetyl)-6-sulfatase; minus strand). Cytogenetic location: 12q14.3.
Variant type: single nucleotide variant.
Coding change: c.1321G>A on transcript NM_002076.4 (MANE Select); coding-DNA position 1321, G replaced by A.
Protein change: p.Asp441Asn; replaces aspartic acid 441 with asparagine.
Molecular consequence: missense variant.
Genome position (GRCh38, 1-based): chr12:64,721,693, C>T on the plus strand (G>A on the coding strand, the complement: GNS is on the minus strand). VCF-style: chr12-64721693-C-T. GRCh37 (hg19) VCF-style: chr12-65115473-C-T.
Other names: short protein forms D441N.
Identifiers: ClinVar variation 1380941 (VCV001380941.3), dbSNP rs1345511245, ClinGen allele CA385602337.
Genomic context (GRCh38, chr12:64,721,693, plus strand): 5'-ATGCTGACATTGTCCTCACACAGGCATAGGTATTGTTATAAGCATCTTCACATACACAGT[C>T]TGGGAAGCATTGCTGTAGGGATATTTCAAAAGTTAAATGAAGACAGTTCTTCCATAGTAA-3'
Protein context (NP_002067.1, residues 431-451): LSPGVSQCFP[Asp441Asn]CVCEDAYNNT